The following is an entry in ClinVar:

NM_004356.4(CD81):c.530C>T (p.Ser177Leu)

Gene: CD81 (CD81 molecule; plus strand). Cytogenetic location: 11p15.5.
Variant type: single nucleotide variant.
Coding change: c.530C>T on transcript NM_004356.4 (MANE Select); coding-DNA position 530, C replaced by T.
Protein change: p.Ser177Leu; replaces serine 177 with leucine.
Molecular consequence: missense variant.
Genome position (GRCh38, 1-based): chr11:2,395,939, C>T. VCF-style: chr11-2395939-C-T. GRCh37 (hg19) VCF-style: chr11-2417169-C-T.
Other names: c.317C>T, p.Ser106Leu (NM_001297649.2, NM_001425129.1, NM_001425130.1 and 4 more transcripts); c.653C>T, p.Ser218Leu (NM_001425135.1); c.530C>T, p.Ser177Leu (NM_001425137.1); short protein forms S177L, S106L, S218L.
Identifiers: ClinVar variation 2897905 (VCV002897905.3), dbSNP rs960741214, ClinGen allele CA216293963.
Genomic context (GRCh38, chr11:2,395,939, plus strand): 5'-GTGGCTCCAGCACACTGACTGCTTTGACCACCTCAGTGCTCAAGAACAATTTGTGTCCCT[C>T]GGGCAGCAACATCATCAGCAACCTCTTCAAGGTGCGCGAGGCCGGTGGGGCCGCGCCTGA-3'
Protein context (NP_004347.1, residues 167-187): TSVLKNNLCP[Ser177Leu]GSNIISNLFK

ClinVar aggregate classification (germline): Uncertain significance (1 of 4 stars; one submission).

Allele frequency attached by ClinVar (database versions not stated): gnomAD 0.00001; gnomAD exomes 0.00001; TOPMed 0.00002.
gnomAD v4.1: 16 of 1,611,864 alleles (0.00099%); highest among the groups gnomAD compares: East Asian, 0.0045%; no homozygotes.

Submission:

Labcorp Genetics (formerly Invitae), Labcorp
Classification: Uncertain significance. Last evaluated: 2023-07-21. Review status: criteria provided, single submitter. Criteria: Invitae Variant Classification Sherloc (09022015). Collection method: clinical testing. Allele origin: germline.
Comment: This sequence change replaces serine, which is neutral and polar, with leucine, which is neutral and non-polar, at codon 177 of the CD81 protein (p.Ser177Leu). This variant is present in population databases (no rsID available, gnomAD 0.01%). This variant has not been reported in the literature in individuals affected with CD81-related conditions. An algorithm developed to predict the effect of missense changes on protein structure and function (PolyPhen-2) suggests that this variant is likely to be tolerated. In summary, the available evidence is currently insufficient to determine the role of this variant in disease. Therefore, it has been classified as a Variant of Uncertain Significance.